The following is an entry in ClinVar:

NM_001001557.4(GDF6):c.719T>C (p.Leu240Pro)

Gene: GDF6 (growth differentiation factor 6; minus strand). Cytogenetic location: 8q22.1.
Variant type: single nucleotide variant.
Coding change: c.719T>C on transcript NM_001001557.4 (MANE Select); coding-DNA position 719, T replaced by C.
Protein change: p.Leu240Pro; replaces leucine 240 with proline.
Molecular consequence: missense variant.
Genome position (GRCh38, 1-based): chr8:96,145,212, A>G on the plus strand (T>C on the coding strand, the complement: GDF6 is on the minus strand). VCF-style: chr8-96145212-A-G. GRCh37 (hg19) VCF-style: chr8-97157440-A-G.
Other names: short protein forms L240P.
Identifiers: ClinVar variation 2166586 (VCV002166586.4), dbSNP rs941023182, ClinGen allele CA181485042.

ClinVar aggregate classification (germline): Uncertain significance (1 of 4 stars; one submission).

Conditions:
Isolated microphthalmia 4. Identifiers: Orphanet 2542, MedGen C2751307, MONDO:0013130, OMIM 613094.
Klippel-Feil syndrome 1, autosomal dominant (KFS1). Also called: CERVICAL VERTEBRAL FUSION, AUTOSOMAL DOMINANT. Identifiers: Orphanet 2345, MedGen C1861689, MONDO:0007306, OMIM 118100.
Leber congenital amaurosis 17 (LCA17). Identifiers: Orphanet 65, MedGen C3715164, MONDO:0014145, OMIM 615360.
Microphthalmia, isolated, with coloboma 6 (MCOPCB6). Also called: Microphthalmia with coloboma 6, digenic; Microphthalmia with coloboma 6; MICROPHTHALMIA/COLOBOMA 6. Identifiers: Orphanet 98938, MedGen C3150968, MONDO:0013376, OMIM 613703.

gnomAD v4.1: 3 of 1,509,638 alleles (0.0002%); highest among the groups gnomAD compares: South Asian, 0.0012%; no homozygotes.

Submission:

Labcorp Genetics (formerly Invitae), Labcorp
Classification: Uncertain significance for Isolated microphthalmia 4; Leber congenital amaurosis 17; Klippel-Feil syndrome 1, autosomal dominant; Microphthalmia, isolated, with coloboma 6. Last evaluated: 2022-04-16. Review status: criteria provided, single submitter. Criteria: Invitae Variant Classification Sherloc (09022015). Collection method: clinical testing. Allele origin: germline.
Comment: This sequence change replaces leucine, which is neutral and non-polar, with proline, which is neutral and non-polar, at codon 240 of the GDF6 protein (p.Leu240Pro). The frequency data for this variant in the population databases is considered unreliable, as metrics indicate poor data quality at this position in the gnomAD database. This variant has not been reported in the literature in individuals affected with GDF6-related conditions. Algorithms developed to predict the effect of missense changes on protein structure and function output the following: SIFT: "Tolerated"; PolyPhen-2: "Benign"; Align-GVGD: "Class C0". The proline amino acid residue is found in multiple mammalian species, which suggests that this missense change does not adversely affect protein function. In summary, the available evidence is currently insufficient to determine the role of this variant in disease. Therefore, it has been classified as a Variant of Uncertain Significance.